The following is an entry in ClinVar:

NM_015178.3(RHOBTB2):c.592G>A (p.Asp198Asn)

Gene: RHOBTB2 (Rho related BTB domain containing 2; plus strand). Cytogenetic location: 8p21.3.
Variant type: single nucleotide variant.
Coding change: c.592G>A on transcript NM_015178.3 (MANE Select); coding-DNA position 592, G replaced by A.
Protein change: p.Asp198Asn; replaces aspartic acid 198 with asparagine.
Molecular consequence: missense variant.
Genome position (GRCh38, 1-based): chr8:23,006,837, G>A. VCF-style: chr8-23006837-G-A. GRCh37 (hg19) VCF-style: chr8-22864350-G-A.
Other names: c.658G>A, p.Asp220Asn (NM_001160036.2); c.613G>A, p.Asp205Asn (NM_001160037.2); c.592G>A, p.Asp198Asn (NM_001374791.1); c.658G>A (NM_001160036.1); short protein forms D220N, D198N, D205N.
Identifiers: ClinVar variation 2769802 (VCV002769802.4), dbSNP rs780391093, ClinGen allele CA4672488.

ClinVar aggregate classification (germline): Uncertain significance. Review status: criteria provided, multiple submitters, no conflicts (2 of 4 stars). 2 submissions from 2 submitters: Uncertain significance (2). Last evaluated 2024-10-30.

Conditions:
Inborn genetic diseases. Identifiers: MedGen C0950123, MeSH D030342.

Allele frequency attached by ClinVar (database versions not stated): ExAC 0.00001; gnomAD exomes 0.00001.
gnomAD v4.1: 12 of 1,614,094 alleles (0.00074%); highest among the groups gnomAD compares: Non-Finnish European, 0.001%; no homozygotes.

Submissions (2):

Labcorp Genetics (formerly Invitae), Labcorp
Classification: Uncertain significance. Last evaluated: 2024-10-30. Review status: criteria provided, single submitter. Criteria: Invitae Variant Classification Sherloc (09022015). Collection method: clinical testing. Allele origin: germline.
Comment: This sequence change replaces aspartic acid, which is acidic and polar, with asparagine, which is neutral and polar, at codon 220 of the RHOBTB2 protein (p.Asp220Asn). This variant is present in population databases (rs780391093, gnomAD 0.0009%). This variant has not been reported in the literature in individuals affected with RHOBTB2-related conditions. ClinVar contains an entry for this variant (Variation ID: 2769802). Invitae Evidence Modeling of protein sequence and biophysical properties (such as structural, functional, and spatial information, amino acid conservation, physicochemical variation, residue mobility, and thermodynamic stability) has been performed for this missense variant. However, the output from this modeling did not meet the statistical confidence thresholds required to predict the impact of this variant on RHOBTB2 protein function. In summary, the available evidence is currently insufficient to determine the role of this variant in disease. Therefore, it has been classified as a Variant of Uncertain Significance.

Ambry Genetics
Classification: Uncertain significance for Inborn genetic diseases. Last evaluated: 2024-03-12. Review status: criteria provided, single submitter. Criteria: Ambry Variant Classification Scheme 2023. Collection method: clinical testing. Allele origin: germline.